The following is an entry in ClinVar:

ClinVar aggregate classification (germline): Uncertain significance. Review status: criteria provided, multiple submitters, no conflicts (2 of 4 stars). 2 submissions from 2 submitters: Uncertain significance (2). Last evaluated 2024-09-19.

Submissions (2):

GeneDx
Classification: Uncertain significance. Last evaluated: 2024-09-19. Review status: criteria provided, single submitter. Criteria: GeneDx Variant Classification Process June 2021. Collection method: clinical testing. Allele origin: germline. Affected: yes.
Comment: Not observed at significant frequency in large population cohorts (gnomAD); In silico analysis supports that this missense variant has a deleterious effect on protein structure/function; Has not been previously published as pathogenic or benign to our knowledge

Labcorp Genetics (formerly Invitae), Labcorp
Classification: Uncertain significance. Last evaluated: 2021-08-11. Review status: criteria provided, single submitter. Criteria: Invitae Variant Classification Sherloc (09022015). Collection method: clinical testing. Allele origin: germline.
Comment: This sequence change replaces glutamic acid with lysine at codon 359 of the NFKB1 protein (p.Glu359Lys). The glutamic acid residue is highly conserved and there is a small physicochemical difference between glutamic acid and lysine. This variant is not present in population databases (ExAC no frequency). This variant has not been reported in the literature in individuals affected with NFKB1-related conditions. Algorithms developed to predict the effect of missense changes on protein structure and function are either unavailable or do not agree on the potential impact of this missense change (SIFT: "Tolerated"; PolyPhen-2: "Probably Damaging"; Align-GVGD: "Class C0"). In summary, the available evidence is currently insufficient to determine the role of this variant in disease. Therefore, it has been classified as a Variant of Uncertain Significance.

NM_003998.4(NFKB1):c.1075G>A (p.Glu359Lys)

Gene: NFKB1 (nuclear factor kappa B subunit 1; plus strand). Cytogenetic location: 4q24.
Variant type: single nucleotide variant.
Coding change: c.1075G>A on transcript NM_003998.4 (MANE Select); coding-DNA position 1075, G replaced by A.
Protein change: p.Glu359Lys; replaces glutamic acid 359 with lysine.
Molecular consequence: missense variant.
Genome position (GRCh38, 1-based): chr4:102,593,433, G>A. VCF-style: chr4-102593433-G-A. GRCh37 (hg19) VCF-style: chr4-103514590-G-A.
Other names: c.1075G>A (NM_003998.3); c.1072G>A, p.Glu358Lys (NM_001165412.2, NM_001319226.2, NM_001382627.1); c.1075G>A, p.Glu359Lys (NM_001382625.1, NM_001382626.1); c.1033G>A, p.Glu345Lys (NM_001382628.1); short protein forms E358K, E359K, E345K.
Identifiers: ClinVar variation 1511820 (VCV001511820.7), dbSNP rs2149203291, ClinGen allele CA357750285.
Genomic context (GRCh38, chr4:102,593,433, plus strand): 5'-GGTGGGACCAAATCAATCTTTTCTCCTCTGGTTTCTCTTCCTTTAAATACAGATAAAGAA[G>A]AAGTGCAGAGGAAACGTCAGAAGCTCATGCCCAATTTTTCGGATAGTTTCGGCGGTGGTA-3'
Protein context (NP_003989.2, residues 349-369): LYYPEIKDKE[Glu359Lys]VQRKRQKLMP